The following is an entry in ClinVar:

ClinVar aggregate classification (germline): Conflicting classifications of pathogenicity. Review status: criteria provided, conflicting classifications (1 of 4 stars). 3 submissions from 3 submitters: Uncertain significance (2); Likely benign (1). Last evaluated 2025-02-03.

Conditions:
Hereditary cancer-predisposing syndrome. Also called: Neoplastic Syndromes, Hereditary; Hereditary Cancer Syndrome; Tumor predisposition; Hereditary neoplastic syndrome. Identifiers: Orphanet 140162, MedGen C0027672, MeSH D009386, MONDO:0015356.
Familial cancer of breast. Also called: hereditary breast carcinoma; Hereditary breast cancer; BREAST CANCER, FAMILIAL. Identifiers: Orphanet 227535, MedGen C0346153, MONDO:0016419, OMIM 114480. Disease mechanism: loss of function.
Ataxia-telangiectasia syndrome (AT). Also called: Cerebello-oculocutaneous telangiectasia; Immunodeficiency with ataxia telangiectasia; ATAXIA-TELANGIECTASIA, COMPLEMENTATION GROUP A; ATAXIA-TELANGIECTASIA, FRESNO VARIANT; Ataxia-telangiectasia, complementation group E; LOUIS-BAR SYNDROME. Identifiers: Orphanet 100, MedGen C0004135, MONDO:0008840, OMIM 208900.

Allele frequency attached by ClinVar (database versions not stated): gnomAD exomes 0.00001.
gnomAD v4.1: 5 of 1,613,630 alleles (0.00031%); highest among the groups gnomAD compares: Non-Finnish European, 0.00042%; no homozygotes.

Submissions (3):

Ambry Genetics
Classification: Likely benign for Hereditary cancer-predisposing syndrome. Last evaluated: 2025-02-03. Review status: criteria provided, single submitter. Criteria: Ambry Variant Classification Scheme 2023. Collection method: clinical testing. Allele origin: germline.

Fulgent Genetics
Classification: Uncertain significance for Familial cancer of breast; Ataxia-telangiectasia syndrome. Last evaluated: 2024-05-13. Review status: criteria provided, single submitter. Criteria: ACMG Guidelines, 2015. Collection method: clinical testing. Allele origin: germline.

Labcorp Genetics (formerly Invitae), Labcorp
Classification: Uncertain significance for Ataxia-telangiectasia syndrome. Last evaluated: 2023-11-28. Review status: criteria provided, single submitter. Criteria: Invitae Variant Classification Sherloc (09022015). Collection method: clinical testing. Allele origin: germline.
Comment: This sequence change replaces alanine, which is neutral and non-polar, with threonine, which is neutral and polar, at codon 220 of the ATM protein (p.Ala220Thr). This variant is not present in population databases (gnomAD no frequency). This variant has not been reported in the literature in individuals affected with ATM-related conditions. ClinVar contains an entry for this variant (Variation ID: 1512062). An algorithm developed to predict the effect of missense changes on protein structure and function (PolyPhen-2) suggests that this variant is likely to be tolerated. In summary, the available evidence is currently insufficient to determine the role of this variant in disease. Therefore, it has been classified as a Variant of Uncertain Significance.

NM_000051.4(ATM):c.658G>A (p.Ala220Thr)

Gene: ATM (ATM serine/threonine kinase; plus strand). Cytogenetic location: 11q22.3.
Variant type: single nucleotide variant.
Coding change: c.658G>A on transcript NM_000051.4 (MANE Select); coding-DNA position 658, G replaced by A.
Protein change: p.Ala220Thr; replaces alanine 220 with threonine.
Molecular consequence: missense variant.
Genome position (GRCh38, 1-based): chr11:108,244,114, G>A. VCF-style: chr11-108244114-G-A. GRCh37 (hg19) VCF-style: chr11-108114841-G-A.
Other names: c.658G>A (NM_000051.3); c.658G>A, p.Ala220Thr (NM_001351834.2); short protein forms A220T.
Identifiers: ClinVar variation 1512062 (VCV001512062.8), dbSNP rs2135227395, ClinGen allele CA382528630.